The following is an entry in ClinVar:

NM_139284.3(LGI4):c.17T>A (p.Ile6Asn)

Gene: LGI4 (leucine rich repeat LGI family member 4; minus strand). Cytogenetic location: 19q13.12.
Variant type: single nucleotide variant.
Coding change: c.17T>A on transcript NM_139284.3 (MANE Select); coding-DNA position 17, T replaced by A.
Protein change: p.Ile6Asn; replaces isoleucine 6 with asparagine.
Molecular consequence: missense variant.
Genome position (GRCh38, 1-based): chr19:35,134,664, A>T on the plus strand (T>A on the coding strand, the complement: LGI4 is on the minus strand). VCF-style: chr19-35134664-A-T. GRCh37 (hg19) VCF-style: chr19-35625568-A-T.
Other names: short protein forms I6N.
Identifiers: ClinVar variation 1032440 (VCV001032440.1), dbSNP rs1276021678, ClinGen allele CA405315560.

ClinVar aggregate classification (germline): Uncertain significance (1 of 4 stars; one submission).

Conditions:
Arthrogryposis multiplex congenita 1, neurogenic, with myelin defect. Also called: Arthrogryposis multiplex congenita, neurogenic, with myelin defect. Identifiers: MedGen C4479539, MONDO:0060486, OMIM 617468.

Allele frequency attached by ClinVar (database versions not stated): gnomAD exomes below 0.00001; TOPMed below 0.00001; gnomAD 0.00001.

Submission:

Baylor Genetics
Classification: Uncertain significance for Arthrogryposis multiplex congenita 1, neurogenic, with myelin defect. Last evaluated: 2018-02-11. Review status: criteria provided, single submitter. Criteria: ACMG Guidelines, 2015. Collection method: clinical testing. Allele origin: unknown. Affected: yes.
Comment: This variant was determined to be of uncertain significance according to ACMG Guidelines, 2015 [PMID:25741868].